The following is an entry in ClinVar:

ClinVar aggregate classification (germline): Uncertain significance (1 of 4 stars; one submission).

Submission:

Labcorp Genetics (formerly Invitae), Labcorp
Classification: Uncertain significance. Last evaluated: 2024-02-24. Review status: criteria provided, single submitter. Criteria: Invitae Variant Classification Sherloc (09022015). Collection method: clinical testing. Allele origin: germline.
Comment: This sequence change creates a premature translational stop signal (p.Pro1274Argfs*11) in the GPR179 gene. While this is not anticipated to result in nonsense mediated decay, it is expected to disrupt the last 1094 amino acid(s) of the GPR179 protein. This variant is not present in population databases (gnomAD no frequency). This variant has not been reported in the literature in individuals affected with GPR179-related conditions. ClinVar contains an entry for this variant (Variation ID: 2080493). Experimental studies and prediction algorithms are not available or were not evaluated, and the functional significance of this variant is currently unknown. In summary, the available evidence is currently insufficient to determine the role of this variant in disease. Therefore, it has been classified as a Variant of Uncertain Significance.

NM_001004334.4(GPR179):c.3821_3822del (p.Pro1274fs)

Gene: GPR179 (G protein-coupled receptor 179; minus strand). Cytogenetic location: 17q12.
Variant type: Deletion.
Coding change: c.3821_3822del on transcript NM_001004334.4 (MANE Select); coding-DNA positions 3821 to 3822, 2 bases deleted (CA; older notation c.3821_3822delCA).
Protein change: p.Pro1274fs; shifts the reading frame from proline 1274.
Molecular consequence: frameshift variant.
Genome position (GRCh38, 1-based): chr17:38,329,747-38,329,748, TG deleted on the plus strand (CA on the coding strand, the reverse complement: GPR179 is on the minus strand). VCF-style (leftmost placement, unchanged base first): chr17-38329746-CTG-C. GRCh37 (hg19) VCF-style: chr17-36485629-CTG-C.
Other names: short protein forms P1274fs.
Identifiers: ClinVar variation 2080493 (VCV002080493.4), dbSNP rs2512160405, ClinGen allele CA2580093626.